The following is an entry in ClinVar:

ClinVar aggregate classification (germline): Pathogenic (1 of 4 stars; one submission).

Allele frequency attached by ClinVar (database versions not stated): ExAC 0.00004.
gnomAD v4.1: 11 of 1,612,708 alleles (0.00068%); highest among the groups gnomAD compares: Non-Finnish European, 0.00093%; no homozygotes.

Submission:

Labcorp Genetics (formerly Invitae), Labcorp
Classification: Pathogenic. Last evaluated: 2023-09-08. Review status: criteria provided, single submitter. Criteria: Invitae Variant Classification Sherloc (09022015). Collection method: clinical testing. Allele origin: germline.
Comment: For these reasons, this variant has been classified as Pathogenic. This variant has not been reported in the literature in individuals affected with FRAS1-related conditions. This variant is present in population databases (rs770048428, gnomAD 0.007%). This sequence change creates a premature translational stop signal (p.Trp3124*) in the FRAS1 gene. It is expected to result in an absent or disrupted protein product. Loss-of-function variants in FRAS1 are known to be pathogenic (PMID: 12766769, 18671281).

Literature cited by the submitters: PubMed 12766769; PubMed 18671281.

NM_025074.7(FRAS1):c.9371G>A (p.Trp3124Ter)

Gene: FRAS1 (Fraser extracellular matrix complex subunit 1; plus strand). Cytogenetic location: 4q21.21.
Variant type: single nucleotide variant.
Coding change: c.9371G>A on transcript NM_025074.7 (MANE Select); coding-DNA position 9371, G replaced by A.
Protein change: p.Trp3124Ter; replaces tryptophan 3124 with a stop codon.
Molecular consequence: nonsense.
Genome position (GRCh38, 1-based): chr4:78,507,475, G>A. VCF-style: chr4-78507475-G-A. GRCh37 (hg19) VCF-style: chr4-79428629-G-A.
Other names: short protein forms W3124*.
Identifiers: ClinVar variation 2759107 (VCV002759107.3), dbSNP rs770048428, ClinGen allele CA2978651.